The following is an entry in ClinVar:

NM_031475.3(ESPN):c.1476T>C (p.Cys492=)

Gene: ESPN (espin; plus strand). Cytogenetic location: 1p36.31.
Variant type: single nucleotide variant.
Coding change: c.1476T>C on transcript NM_031475.3 (MANE Select); coding-DNA position 1476, T replaced by C.
Protein change: p.Cys492=; no amino-acid change (cysteine 492 retained).
Molecular consequence: synonymous variant.
Genome position (GRCh38, 1-based): chr1:6,448,652, T>C. VCF-style: chr1-6448652-T-C. GRCh37 (hg19) VCF-style: chr1-6508712-T-C.
Other names: p.Cys492=; c.1476T>C, p.Cys492= (NM_001367473.1, NM_001367474.1).
Identifiers: ClinVar variation 508562 (VCV000508562.11), dbSNP rs77656032, ClinGen allele CA560262.

ClinVar aggregate classification (germline): Benign. Review status: criteria provided, multiple submitters, no conflicts (2 of 4 stars). 4 submissions from 4 submitters: Benign (4). Last evaluated 2026-02-02.

Allele frequency attached by ClinVar (database versions not stated): gnomAD exomes 0.07654 and 0.07759; ESP Exome Variant Server 0.15391; ExAC 0.15582; gnomAD 0.21300 and 0.22371; 1000 Genomes Project 0.22983; TOPMed 0.23278; 1000 Genomes Project 30x 0.24266.
gnomAD v4.1: 141,382 of 1,561,408 alleles (9.1%); highest among the groups gnomAD compares: African/African-American, 59%; 16,557 homozygotes.

Submissions (4):

Labcorp Genetics (formerly Invitae), Labcorp
Classification: Benign. Last evaluated: 2026-02-02. Review status: criteria provided, single submitter. Criteria: Invitae Variant Classification Sherloc (09022015). Collection method: clinical testing. Allele origin: germline.

Mayo Clinic Laboratories, Mayo Clinic
Classification: Benign. Last evaluated: 2019-05-13. Review status: criteria provided, single submitter. Criteria: ACMG Guidelines, 2015. Collection method: clinical testing. Allele origin: germline. Observed: 33 variant alleles.

GeneDx
Classification: Benign. Last evaluated: 2017-05-09. Review status: criteria provided, single submitter. Criteria: GeneDx Variant Classification (06012015). Collection method: clinical testing. Allele origin: germline. Affected: yes.
Comment: This variant is considered likely benign or benign based on one or more of the following criteria: it is a conservative change, it occurs at a poorly conserved position in the protein, it is predicted to be benign by multiple in silico algorithms, and/or has population frequency not consistent with disease.

Breakthrough Genomics
Classification: Benign. Review status: criteria provided, single submitter. Criteria: ACMG Guidelines, 2015. Collection method: not provided. Allele origin: germline. Inheritance: Autosomal recessive inheritance. Affected: yes.